The following is an entry in ClinVar:

ClinVar aggregate classification (germline): Likely pathogenic (1 of 4 stars; one submission).

Conditions:
Polymicrogyria, perisylvian, with cerebellar hypoplasia and arthrogryposis (NEDSPLB). Identifiers: MedGen C4225295, MONDO:0014679, OMIM 616531.

Submission:

3billion
Classification: Likely pathogenic for Polymicrogyria, perisylvian, with cerebellar hypoplasia and arthrogryposis. Last evaluated: 2025-10-27. Review status: criteria provided, single submitter. Criteria: ACMG Guidelines, 2015. Collection method: clinical testing. Allele origin: germline. Affected: yes.
Comment: The variant is not observed in the gnomAD v4.1.0 dataset. Predicted Consequence/Location: Canonical splice site: predicted to alter splicing and result in a loss or disruption of normal protein function. Multiple pathogenic loss-of-function variants are reported downstream of the variant. In silico tools predict the variant to alter splicing and produce an abnormal transcript [SpliceAI: 1.00 (spliceogenicity >=0.2, non-spliceogenicity <0.1)]. Therefore, this variant is classified as Likely pathogenic according to the recommendation of ACMG/AMP guideline.

NM_058004.4(PI4KA):c.4488+1G>T

Gene: PI4KA (phosphatidylinositol 4-kinase alpha; minus strand). Cytogenetic location: 22q11.21.
Variant type: single nucleotide variant.
Coding change: c.4488+1G>T on transcript NM_058004.4 (MANE Select); the canonical splice donor site of the intron after coding-DNA position 4488, G replaced by T.
Molecular consequence: splice donor variant.
Genome position (GRCh38, 1-based): chr22:20,729,631, C>A on the plus strand (G>T on the coding strand, the complement: PI4KA is on the minus strand). VCF-style: chr22-20729631-C-A. GRCh37 (hg19) VCF-style: chr22-21083919-C-A.
Other names: c.4422+1G>T (NM_001362863.2); c.4395+1G>T (NM_001362862.2).
Identifiers: ClinVar variation 4854114 (VCV004854114.1).